The following is an entry in ClinVar:

NM_001083962.2(TCF4):c.1236del (p.Gly413fs)

Gene: TCF4 (transcription factor 4; minus strand). Cytogenetic location: 18q21.2.
Variant type: Deletion.
Coding change: c.1236del on transcript NM_001083962.2 (MANE Select); coding-DNA position 1236, one base deleted (T; older notation c.1236delT).
Protein change: p.Gly413fs; shifts the reading frame from glycine 413.
Molecular consequence: frameshift variant.
Genome position (GRCh38, 1-based): chr18:55,254,611, A deleted on the plus strand (T on the coding strand, the reverse complement: TCF4 is on the minus strand). VCF-style (leftmost placement, unchanged base first): chr18-55254610-CA-C. GRCh37 (hg19) VCF-style: chr18-52921841-CA-C.
Other names: c.1542del, p.Gly515fs (NM_001243226.3); c.1164del, p.Gly389fs (NM_001243227.2, NM_001306207.1, NM_001348217.1 and 5 more transcripts); c.1254del, p.Gly419fs (NM_001243228.2); c.1227del, p.Gly410fs (NM_001243230.2); c.1110del, p.Gly371fs (NM_001243231.2, NM_001348211.2); c.1023del, p.Gly342fs (NM_001243232.1, NM_001306208.1); c.846del, p.Gly283fs (NM_001243233.2, NM_001330605.3, NM_001348212.2 and 1 more transcripts); c.756del, p.Gly253fs (NM_001243234.2, NM_001243235.2, NM_001243236.2 and 1 more transcripts); and 6 more; short protein forms G197fs, G252fs, G253fs, G283fs, G342fs, G371fs, G388fs, G389fs.
Identifiers: ClinVar variation 3344931 (VCV003344931.1).

ClinVar aggregate classification (germline): Likely pathogenic (0 of 4 stars; one submission).

Conditions:
TCF4-related disorder. Also called: TCF4-related condition.

Submission:

PreventionGenetics, part of Exact Sciences
Classification: Likely pathogenic for TCF4-related condition. Last evaluated: 2024-06-10. Review status: no assertion criteria provided. Collection method: clinical testing. Allele origin: germline.
Comment: The TCF4 c.1236delT variant is predicted to result in a frameshift and premature protein termination (p.Gly413Valfs*49). To our knowledge, this variant has not been reported in the literature or in a large population database, indicating this variant is rare. Frameshift variants in TCF4 are expected to be pathogenic. This variant is interpreted as likely pathogenic.